The following is an entry in ClinVar:

NM_152424.4(AMER1):c.2343C>A (p.Asn781Lys)

Gene: AMER1 (APC membrane recruitment protein 1; minus strand). Cytogenetic location: Xq11.2.
Variant type: single nucleotide variant.
Coding change: c.2343C>A on transcript NM_152424.4 (MANE Select); coding-DNA position 2343, C replaced by A.
Protein change: p.Asn781Lys; replaces asparagine 781 with lysine.
Molecular consequence: missense variant.
Genome position (GRCh38, 1-based): chrX:64,190,944, G>T on the plus strand (C>A on the coding strand, the complement: AMER1 is on the minus strand). VCF-style: chrX-64190944-G-T. GRCh37 (hg19) VCF-style: chrX-63410824-G-T.
Other names: short protein forms N781K.
Identifiers: ClinVar variation 4575903 (VCV004575903.2).

ClinVar aggregate classification (germline): Conflicting classifications of pathogenicity. Review status: criteria provided, conflicting classifications (1 of 4 stars). 2 submissions from 2 submitters: Uncertain significance (1); Likely benign (1). Last evaluated 2025-09-24.

Conditions:
Inborn genetic diseases. Identifiers: MedGen C0950123, MeSH D030342.

gnomAD v4.1: 5 of 1,209,549 alleles (0.00041%); highest among the groups gnomAD compares: African/African-American, 0.0088%; no homozygotes.

Submissions (2):

Ambry Genetics
Classification: Likely benign for Inborn genetic diseases. Last evaluated: 2025-09-24. Review status: criteria provided, single submitter. Criteria: Ambry Variant Classification Scheme 2023. Collection method: clinical testing. Allele origin: germline.

Labcorp Genetics (formerly Invitae), Labcorp
Classification: Uncertain significance. Last evaluated: 2025-08-29. Review status: criteria provided, single submitter. Criteria: Invitae Variant Classification Sherloc (09022015). Collection method: clinical testing. Allele origin: germline.
Comment: This sequence change replaces asparagine, which is neutral and polar, with lysine, which is basic and polar, at codon 781 of the AMER1 protein (p.Asn781Lys). This variant is present in population databases (rs144246257, gnomAD 0.02%), including at least one homozygous and/or hemizygous individual. This variant has not been reported in the literature in individuals affected with AMER1-related conditions. An algorithm developed to predict the effect of missense changes on protein structure and function (PolyPhen-2) suggests that this variant is likely to be disruptive. In summary, the available evidence is currently insufficient to determine the role of this variant in disease. Therefore, it has been classified as a Variant of Uncertain Significance.